The following is an entry in ClinVar:

ClinVar aggregate classification (germline): Uncertain significance. Review status: criteria provided, multiple submitters, no conflicts (2 of 4 stars). 2 submissions from 2 submitters: Uncertain significance (2). Last evaluated 2025-01-15.

Conditions:
Jeune thoracic dystrophy. Also called: Jeune syndrome; Infantile thoracic dystrophy; Thoracic pelvic phalangeal dystrophy; Jeune's syndrome; Chondroectodermal dysplasia-like syndrome; Short-rib thoracic dysplasia. Identifiers: Orphanet 474, MedGen C0265275, MONDO:0018770.

gnomAD v4.1: 17 of 1,512,060 alleles (0.0011%); highest among the groups gnomAD compares: African/African-American, 0.0042%; no homozygotes.

Submissions (2):

Labcorp Genetics (formerly Invitae), Labcorp
Classification: Uncertain significance for Jeune thoracic dystrophy. Last evaluated: 2025-01-15. Review status: criteria provided, single submitter. Criteria: Invitae Variant Classification Sherloc (09022015). Collection method: clinical testing. Allele origin: germline.
Comment: This sequence change replaces threonine, which is neutral and polar, with isoleucine, which is neutral and non-polar, at codon 1403 of the DYNC2H1 protein (p.Thr1403Ile). This variant is present in population databases (rs373353418, gnomAD 0.006%). This variant has not been reported in the literature in individuals affected with DYNC2H1-related conditions. Invitae Evidence Modeling of protein sequence and biophysical properties (such as structural, functional, and spatial information, amino acid conservation, physicochemical variation, residue mobility, and thermodynamic stability) has been performed for this missense variant. However, the output from this modeling did not meet the statistical confidence thresholds required to predict the impact of this variant on DYNC2H1 protein function. In summary, the available evidence is currently insufficient to determine the role of this variant in disease. Therefore, it has been classified as a Variant of Uncertain Significance.

Blueprint Genetics
Classification: Uncertain significance. Last evaluated: 2024-05-27. Review status: criteria provided, single submitter. Criteria: ACMG Guidelines, 2015. Collection method: clinical testing. Allele origin: germline.

NM_001377.3(DYNC2H1):c.4208C>T (p.Thr1403Ile)

Gene: DYNC2H1 (dynein cytoplasmic 2 heavy chain 1; plus strand). Cytogenetic location: 11q22.3.
Variant type: single nucleotide variant.
Coding change: c.4208C>T on transcript NM_001377.3 (MANE Select); coding-DNA position 4208, C replaced by T.
Protein change: p.Thr1403Ile; replaces threonine 1403 with isoleucine.
Molecular consequence: missense variant.
Genome position (GRCh38, 1-based): chr11:103,158,757, C>T. VCF-style: chr11-103158757-C-T. GRCh37 (hg19) VCF-style: chr11-103029486-C-T.
Other names: c.4208C>T, p.Thr1403Ile (NM_001080463.2); short protein forms T1403I.
Identifiers: ClinVar variation 3625691 (VCV003625691.3).
Genomic context (GRCh38, chr11:103,158,757, plus strand): 5'-AGAAAGACAATAGAGTCACAACATTAACTACTCATGCTGGAATAAGAAATTCTCTACTAA[C>T]AATACTTGATCAGCTTCAAAGATGTCAGAAATCATTAAATGAATTTTTGGAGGCATGTTT-3'
Protein context (NP_001368.2, residues 1393-1413): THAGIRNSLL[Thr1403Ile]ILDQLQRCQK